The following is an entry in ClinVar:

NM_001563.4(IMPG1):c.1196T>C (p.Phe399Ser)

Gene: IMPG1 (interphotoreceptor matrix proteoglycan 1; minus strand). Cytogenetic location: 6q14.1.
Variant type: single nucleotide variant.
Coding change: c.1196T>C on transcript NM_001563.4 (MANE Select); coding-DNA position 1196, T replaced by C.
Protein change: p.Phe399Ser; replaces phenylalanine 399 with serine.
Molecular consequence: missense variant.
Genome position (GRCh38, 1-based): chr6:76,003,890, A>G on the plus strand (T>C on the coding strand, the complement: IMPG1 is on the minus strand). VCF-style: chr6-76003890-A-G. GRCh37 (hg19) VCF-style: chr6-76713607-A-G.
Other names: c.1196T>C (NM_001563.3); c.962T>C, p.Phe321Ser (NM_001282368.2); short protein forms F321S, F399S.
Identifiers: ClinVar variation 4275320 (VCV004275320.2).
Genomic context (GRCh38, chr6:76,003,890, plus strand): 5'-GAGACTTTGTTCCTAGTTAAAGAACAAAAGGACAACAAACTTACCTCTGTTATAACAGCA[A>G]AAGATGTGGGCAGCTCTGATTGGGTGTCAGGACCAAAGGCTGGCAGTGATCCAGCAATTT-3'
Protein context (NP_001554.2, residues 389-409): PDTQSELPTS[Phe399Ser]AVITEDATLS

ClinVar aggregate classification (germline): Uncertain significance. Review status: criteria provided, multiple submitters, no conflicts (2 of 4 stars). 2 submissions from 2 submitters: Uncertain significance (2). Last evaluated 2025-08-25.

Conditions:
IMPG1-related disorder. Also called: IMPG1-related condition.

gnomAD v4.1: 19 of 1,612,722 alleles (0.0012%); highest among the groups gnomAD compares: Non-Finnish European, 0.0016%; no homozygotes.

Submissions (2):

Ambry Genetics
Classification: Uncertain significance. Last evaluated: 2025-08-25. Review status: criteria provided, single submitter. Criteria: Ambry Variant Classification Scheme 2023. Collection method: clinical testing. Allele origin: germline.

PreventionGenetics, part of Exact Sciences
Classification: Uncertain significance for IMPG1-related condition. Last evaluated: 2025-07-25. Review status: criteria provided, single submitter. Criteria: ACMG Guidelines, 2015. Collection method: clinical testing. Allele origin: germline.
Comment: The IMPG1 c.1196T>C variant is predicted to result in the amino acid substitution p.Phe399Ser. To our knowledge, this variant has not been reported in the literature. This variant is reported in 0.0035% of alleles in individuals of European (Non-Finnish) descent in gnomAD. At this time, the clinical significance of this variant is uncertain due to the absence of conclusive functional and genetic evidence.